The following is an entry in ClinVar:

NM_033118.4(MYLK2):c.388A>G (p.Lys130Glu)

Gene: MYLK2 (myosin light chain kinase 2; plus strand). Cytogenetic location: 20q11.21.
Variant type: single nucleotide variant.
Coding change: c.388A>G on transcript NM_033118.4 (MANE Select); coding-DNA position 388, A replaced by G.
Protein change: p.Lys130Glu; replaces lysine 130 with glutamic acid.
Molecular consequence: missense variant.
Genome position (GRCh38, 1-based): chr20:31,820,461, A>G. VCF-style: chr20-31820461-A-G. GRCh37 (hg19) VCF-style: chr20-30408264-A-G.
Other names: short protein forms K130E.
Identifiers: ClinVar variation 4745449 (VCV004745449.1).
Genomic context (GRCh38, chr20:31,820,461, plus strand): 5'-AAGCCCAAGGCTGAGCAGGGAGCCTCAGGCAGCCAGGATCCTGGAAAGCCCAGGGTGGGC[A>G]AGAAGGCAGCAGAGGGCCAAGCAGCAGCCAGGAGGGGCTCACCTGCCTTTCTGCATAGCC-3'
Protein context (NP_149109.1, residues 120-140): SQDPGKPRVG[Lys130Glu]KAAEGQAAAR

ClinVar aggregate classification (germline): Uncertain significance (1 of 4 stars; one submission).

Conditions:
Hypertrophic cardiomyopathy 1 (CMH1). Also called: Familial hypertrophic cardiomyopathy 1; MYH7-Related Familial Hypertrophic Cardiomyopathy. Identifiers: MedGen C3495498, MONDO:0008647, OMIM 192600.

Submission:

Labcorp Genetics (formerly Invitae), Labcorp
Classification: Uncertain significance for Hypertrophic cardiomyopathy 1. Last evaluated: 2025-10-23. Review status: criteria provided, single submitter. Criteria: Invitae Variant Classification Sherloc (09022015). Collection method: clinical testing. Allele origin: germline.
Comment: This sequence change replaces lysine, which is basic and polar, with glutamic acid, which is acidic and polar, at codon 130 of the MYLK2 protein (p.Lys130Glu). This variant is not present in population databases (gnomAD no frequency). This variant has not been reported in the literature in individuals affected with MYLK2-related conditions. Invitae Evidence Modeling of protein sequence and biophysical properties (such as structural, functional, and spatial information, amino acid conservation, physicochemical variation, residue mobility, and thermodynamic stability) indicates that this missense variant is not expected to disrupt MYLK2 protein function with a negative predictive value of 80%. In summary, the available evidence is currently insufficient to determine the role of this variant in disease. Therefore, it has been classified as a Variant of Uncertain Significance.